The following is an entry in ClinVar:

ClinVar aggregate classification (germline): Pathogenic. Review status: reviewed by expert panel (3 of 4 stars). 4 submissions from 4 submitters: Pathogenic (1). 3 of the submissions do not count toward it. Last evaluated 2017-12-15.

Conditions:
Hereditary breast ovarian cancer syndrome. Also called: Hereditary breast and ovarian cancer syndrome; Hereditary breast and ovarian cancer; Hereditary breast and ovarian cancer syndrome (HBOC); Breast and ovarian cancer; Hereditary breast and/or ovarian cancer syndrome; BRCA1- and BRCA2-Associated Hereditary Breast and Ovarian Cancer. Identifiers: Orphanet 145, MedGen C0677776, MeSH D061325, MONDO:0003582. Disease mechanism: loss of function.
Familial cancer of breast. Also called: BREAST CANCER, FAMILIAL; Hereditary breast cancer; hereditary breast carcinoma. Identifiers: Orphanet 227535, MedGen C0346153, MONDO:0016419, OMIM 114480. Disease mechanism: loss of function.
Hereditary cancer-predisposing syndrome. Also called: Neoplastic Syndromes, Hereditary; Tumor predisposition; Hereditary neoplastic syndrome; Hereditary Cancer Syndrome. Identifiers: Orphanet 140162, MedGen C0027672, MeSH D009386, MONDO:0015356.
Breast-ovarian cancer, familial, susceptibility to, 2 (BROVCA2). Also called: BRCA2 Hereditary Breast and Ovarian Cancer. Identifiers: Orphanet 145, MedGen C2675520, MONDO:0012933, OMIM 612555. Disease mechanism: loss of function.

Submissions (4):

Evidence-based Network for the Interpretation of Germline Mutant Alleles (ENIGMA)
Classification: Pathogenic for Breast-ovarian cancer, familial, susceptibility to, 2. Last evaluated: 2017-12-15. Review status: reviewed by expert panel. Criteria: ENIGMA BRCA1/2 Classification Criteria (2017-06-29). Collection method: curation. Allele origin: germline. Study: ENIGMA.
Comment: Variant allele predicted to encode a truncated non-functional protein.

Labcorp Genetics (formerly Invitae), Labcorp
Classification: Pathogenic for Hereditary breast ovarian cancer syndrome. Last evaluated: 2023-08-23. Review status: criteria provided, single submitter. Criteria: Invitae Variant Classification Sherloc (09022015). Collection method: clinical testing. Allele origin: germline. Not counted in ClinVar's aggregate classification.
Comment: This sequence change creates a premature translational stop signal (p.Lys2131*) in the BRCA2 gene. It is expected to result in an absent or disrupted protein product. Loss-of-function variants in BRCA2 are known to be pathogenic (PMID: 20104584). This variant is not present in population databases (gnomAD no frequency). This premature translational stop signal has been observed in individual(s) with BRCA2-related conditions (PMID: 15131399). ClinVar contains an entry for this variant (Variation ID: 52079). For these reasons, this variant has been classified as Pathogenic.

Ambry Genetics
Classification: Pathogenic for Hereditary cancer-predisposing syndrome. Last evaluated: 2015-10-14. Review status: criteria provided, single submitter. Criteria: Ambry Variant Classification Scheme 2023. Collection method: clinical testing. Allele origin: germline. Not counted in ClinVar's aggregate classification.
Comment: The c.6390dupT pathogenic mutation, located in coding exon 10 of the BRCA2 gene, results from a duplication of one nucleotide at position 6390, causing a translational frameshift with a predicted alternate stop codon. This mutation (designated as 6619insT) was listed in one family from 1/440 BRCA2 mutation-positive kindreds (Lubinski J et al, Fam. Cancer 2004 ; 3(1):1-10). Since frameshifts are typically deleterious in nature, this alteration is interpreted as a disease-causing mutation (ACMG Recommendations for Standards for Interpretation and Reporting of Sequence Variations. Revision 2007. Genet Med. 2008;10:294).

ClinVar Staff, National Center for Biotechnology Information (NCBI)
No classification provided. Condition: Familial cancer of breast. Review status: no classification provided. Collection method: literature only. Allele origin: germline. Affected: yes. Not counted in ClinVar's aggregate classification.

Literature cited by the submitters: PubMed 20104584 (cited by Labcorp Genetics (formerly Invitae), Labcorp); PubMed 15131399 (cited by 3 submitters).

NM_000059.4(BRCA2):c.6390dup (p.Lys2131Ter)

Gene: BRCA2 (BRCA2 DNA repair associated; plus strand). Cytogenetic location: 13q13.1.
Variant type: Duplication.
Coding change: c.6390dup on transcript NM_000059.4 (MANE Select); coding-DNA position 6390, one base duplicated (T; older notation c.6390dupT).
Protein change: p.Lys2131Ter; replaces lysine 2131 with a stop codon.
Molecular consequence: nonsense.
Genome position (GRCh38, 1-based): chr13:32,340,745, T duplicated; the last of 3 consecutive T bases (chr13:32,340,743-32,340,745); duplicating any one gives the same sequence. VCF-style (leftmost placement, unchanged base first): chr13-32340742-A-AT. GRCh37 (hg19) VCF-style: chr13-32914879-A-AT.
Other names: c.6390dupT (NM_000059.3); short protein forms K2131*.
Identifiers: ClinVar variation 52079 (VCV000052079.10), dbSNP rs397507848, ClinGen allele CA023972.
Genomic context (GRCh38, chr13:32,340,742, plus strand): 5'-TGATAAGAGAAACCCAGAGCACTGTGTAAACTCAGAAATGGAAAAAACCTGCAGTAAAGA[A>AT]TTTAAATTATCAAATAACTTAAATGTTGAAGGTGGTTCTTCAGAAAATAATCACTCTATT-3'